The following is an entry in ClinVar:

ClinVar aggregate classification (germline): Uncertain significance (1 of 4 stars; one submission).

Conditions:
Hereditary cancer-predisposing syndrome. Also called: Neoplastic Syndromes, Hereditary; Tumor predisposition; Hereditary neoplastic syndrome; Hereditary Cancer Syndrome. Identifiers: Orphanet 140162, MedGen C0027672, MeSH D009386, MONDO:0015356.

Submission:

Ambry Genetics
Classification: Uncertain significance for Hereditary cancer-predisposing syndrome. Last evaluated: 2023-09-21. Review status: criteria provided, single submitter. Criteria: Ambry Variant Classification Scheme 2023. Collection method: clinical testing. Allele origin: germline.
Comment: The p.P346T variant (also known as c.1036C>A), located in coding exon 9 of the BRCA1 gene, results from a C to A substitution at nucleotide position 1036. The proline at codon 346 is replaced by threonine, an amino acid with highly similar properties. This amino acid position is not well conserved in available vertebrate species. In addition, the in silico prediction for this alteration is inconclusive. Since supporting evidence is limited at this time, the clinical significance of this alteration remains unclear.

NM_007294.4(BRCA1):c.1036C>A (p.Pro346Thr)

Gene: BRCA1 (BRCA1 DNA repair associated; minus strand). Cytogenetic location: 17q21.31.
Variant type: single nucleotide variant.
Coding change: c.1036C>A on transcript NM_007294.4 (MANE Select); coding-DNA position 1036, C replaced by A.
Protein change: p.Pro346Thr; replaces proline 346 with threonine.
Molecular consequence: missense variant. On other transcripts: intron variant (137).
Genome position (GRCh38, 1-based): chr17:43,094,495, G>T on the plus strand (C>A on the coding strand, the complement: BRCA1 is on the minus strand). VCF-style: chr17-43094495-G-T. GRCh37 (hg19) VCF-style: chr17-41246512-G-T.
Other names: c.655C>A, p.Pro219Thr (NM_001407959.1, NM_001407960.1, NM_001407963.1); c.652C>A, p.Pro218Thr (NM_001407962.1); c.892C>A, p.Pro298Thr (NM_001407964.1, NM_001407740.1, NM_001407741.1 and 20 more transcripts); c.823C>A, p.Pro275Thr (NM_001407571.1, NM_001407853.1, NM_001407894.1 and 9 more transcripts); c.1036C>A, p.Pro346Thr (NM_001407581.1, NM_001407582.1, NM_001407583.1 and 30 more transcripts); c.1033C>A, p.Pro345Thr (NM_001407587.1, NM_001407590.1, NM_001407591.1 and 22 more transcripts); c.1027C>A, p.Pro343Thr (NM_001407646.1, NM_001407647.1); c.913C>A, p.Pro305Thr (NM_001407648.1, NM_001407664.1, NM_001407665.1 and 19 more transcripts); and 40 more; short protein forms P178T, P218T, P219T, P234T, P235T, P257T, P258T, P275T.
Identifiers: ClinVar variation 3226093 (VCV003226093.1), dbSNP rs80357015, ClinGen allele CA10599987.